The following is an entry in ClinVar:

NM_001366145.2(TRPM3):c.2280C>T (p.Ile760=)

Gene: TRPM3 (transient receptor potential cation channel subfamily M member 3; minus strand). Cytogenetic location: 9q21.12.
Variant type: single nucleotide variant.
Coding change: c.2280C>T on transcript NM_001366145.2 (MANE Select); coding-DNA position 2280, C replaced by T.
Protein change: p.Ile760=; no amino-acid change (isoleucine 760 retained).
Molecular consequence: synonymous variant.
Genome position (GRCh38, 1-based): chr9:70,618,945, G>A on the plus strand (C>T on the coding strand, the complement: TRPM3 is on the minus strand). VCF-style: chr9-70618945-G-A. GRCh37 (hg19) VCF-style: chr9-73233861-G-A.
Other names: c.2244C>T, p.Ile748= (NM_001007471.4, NM_001366151.2); c.2250C>T, p.Ile750= (NM_001366141.2, NM_001366143.2, NM_001366149.2); c.2286C>T, p.Ile762= (NM_001366142.2); c.2280C>T, p.Ile760= (NM_001366146.2); c.2355C>T, p.Ile785= (NM_001366147.2, NM_001366152.2); c.2325C>T, p.Ile775= (NM_001366148.2); c.2214C>T, p.Ile738= (NM_001366150.2); c.1821C>T, p.Ile607= (NM_001366154.2, NM_024971.7); and 6 more.
Identifiers: ClinVar variation 1176569 (VCV001176569.38), dbSNP rs144786870, ClinGen allele CA5078341.

ClinVar aggregate classification (germline): Likely benign. Review status: criteria provided, multiple submitters, no conflicts (2 of 4 stars). 4 submissions from 4 submitters: Likely benign (3). 1 of the submissions does not count toward it. Last evaluated 2026-07-01.

Conditions:
TRPM3-related disorder. Also called: TRPM3-related condition.

Allele frequency attached by ClinVar (database versions not stated): ESP Exome Variant Server 0.00123; gnomAD exomes 0.00123 and 0.00146; ExAC 0.00130; 1000 Genomes Project 30x 0.00141; 1000 Genomes Project 0.00180; gnomAD 0.00111 and 0.00118.
gnomAD v4.1: 2,340 of 1,613,786 alleles (0.15%); highest among the groups gnomAD compares: South Asian, 0.24%; 5 homozygotes.

Submissions (4):

CeGaT Center for Human Genetics Tuebingen
Classification: Likely benign. Last evaluated: 2026-07-01. Review status: criteria provided, single submitter. Criteria: CeGaT Center For Human Genetics Tuebingen Variant Classification Criteria Version 2. Collection method: clinical testing. Allele origin: germline. Affected: yes. Observed: 9 variant alleles.
Comment: TRPM3: BP4, BP7

Blueprint Genetics
Classification: Likely benign. Last evaluated: 2024-11-19. Review status: criteria provided, single submitter. Criteria: ACMG Guidelines, 2015. Collection method: clinical testing. Allele origin: germline.

Breakthrough Genomics
Classification: Likely benign. Review status: criteria provided, single submitter. Criteria: ACMG Guidelines, 2015. Collection method: not provided. Allele origin: germline. Inheritance: Autosomal dominant inheritance. Affected: yes.

PreventionGenetics, part of Exact Sciences
Classification: Likely benign for TRPM3-related condition. Last evaluated: 2019-02-20. Review status: no assertion criteria provided. Collection method: clinical testing. Allele origin: germline. Not counted in ClinVar's aggregate classification.
Comment: This variant is classified as likely benign based on ACMG/AMP sequence variant interpretation guidelines (Richards et al. 2015 PMID: 25741868, with internal and published modifications).